The following is an entry in ClinVar:

NM_004333.6(BRAF):c.518G>A (p.Cys173Tyr)

Gene: BRAF (B-Raf proto-oncogene, serine/threonine kinase; minus strand). Cytogenetic location: 7q34.
Variant type: single nucleotide variant.
Coding change: c.518G>A on transcript NM_004333.6 (MANE Select); coding-DNA position 518, G replaced by A.
Protein change: p.Cys173Tyr; replaces cysteine 173 with tyrosine.
Molecular consequence: missense variant.
Genome position (GRCh38, 1-based): chr7:140,808,982, C>T on the plus strand (G>A on the coding strand, the complement: BRAF is on the minus strand). VCF-style: chr7-140808982-C-T. GRCh37 (hg19) VCF-style: chr7-140508782-C-T.
Other names: c.518G>A, p.Cys173Tyr (NM_001354609.2, NM_001374244.1, NM_001374258.1 and 5 more transcripts); c.416G>A, p.Cys139Tyr (NM_001378470.1); c.362G>A, p.Cys121Tyr (NM_001378472.1, NM_001378473.1); c.254G>A, p.Cys85Tyr (NM_001378475.1); short protein forms C121Y, C139Y, C173Y, C85Y.
Identifiers: ClinVar variation 2633057 (VCV002633057.1), dbSNP rs1411975481, ClinGen allele CA369591911.

ClinVar aggregate classification (germline): Uncertain significance (1 of 4 stars; one submission).

Conditions:
BRAF-related disorder. Also called: BRAF-related condition.

Allele frequency attached by ClinVar (database versions not stated): gnomAD exomes 0.00001; TOPMed 0.00001; gnomAD 0.00002.
gnomAD v4.1: 9 of 1,612,098 alleles (0.00056%); highest among the groups gnomAD compares: Non-Finnish European, 0.00076%; no homozygotes.

Submission:

PreventionGenetics, part of Exact Sciences
Classification: Uncertain significance for BRAF-related condition. Last evaluated: 2023-05-21. Review status: criteria provided, single submitter. Criteria: ACMG Guidelines, 2015. Collection method: clinical testing. Allele origin: germline.
Comment: The BRAF c.518G>A variant is predicted to result in the amino acid substitution p.Cys173Tyr. To our knowledge, this variant has not been reported in the literature or in a large population database, indicating this variant is rare. At this time, the clinical significance of this variant is uncertain due to the absence of conclusive functional and genetic evidence.